The following is an entry in ClinVar:

ClinVar aggregate classification (germline): Uncertain significance (1 of 4 stars; one submission).

Conditions:
Hypercholesterolemia, autosomal dominant, 3 (FHCL3). Also called: PCSK9-Related Familial Hypercholesterolemia, Autosomal Dominant; Familial Hypercholesterolemia, Autosomal Dominant, 3; Familial hypercholesterolemia 3. Identifiers: MedGen C1863551, MONDO:0011369, OMIM 603776.

Allele frequency attached by ClinVar (database versions not stated): ExAC 0.00001; gnomAD exomes 0.00001.

Submission:

All of Us Research Program, National Institutes of Health
Classification: Uncertain significance for Hypercholesterolemia, autosomal dominant, 3. Last evaluated: 2023-02-24. Review status: criteria provided, single submitter. Criteria: ACMG Guidelines, 2015. Collection method: clinical testing. Allele origin: germline. Inheritance: Autosomal dominant inheritance. Observed: 1 variant allele, 1 heterozygote.
Comment: This variant causes a C to T nucleotide substitution at the -3 position of intron 7 of the PCSK9 gene. To our knowledge, functional studies have not been reported for this variant. This variant has not been reported in individuals affected with PCSK9-related disorders in the literature. This variant has been identified in 1/250550 chromosomes in the general population by the Genome Aggregation Database (gnomAD). The available evidence is insufficient to determine the role of this variant in disease conclusively. Therefore, this variant is classified as a Variant of Uncertain Significance.

This study involves interpretation of variants in research participants for the purpose of population health screening. Participant phenotype was not available at the time of variant classification. Additional details can be found in publication PMID: 35346344, PMCID: PMC8962531

NM_174936.4(PCSK9):c.1181-3C>T

Gene: PCSK9 (proprotein convertase subtilisin/kexin type 9; plus strand). Cytogenetic location: 1p32.3.
Variant type: single nucleotide variant.
Coding change: c.1181-3C>T on transcript NM_174936.4 (MANE Select); 3 bases into the intron before coding-DNA position 1181, C replaced by T.
Molecular consequence: intron variant.
Genome position (GRCh38, 1-based): chr1:55,058,033, C>T. VCF-style: chr1-55058033-C-T. GRCh37 (hg19) VCF-style: chr1-55523706-C-T.
Other names: c.806-3C>T (NM_001407246.1); c.1304-3C>T (NM_001407240.1); c.1184-3C>T (NM_001407242.1); c.1181-3C>T (NM_001407241.1); c.1181-466C>T (NM_001407244.1); c.1180+519C>T (NM_001407247.1); c.1124-3C>T (NM_001407243.1); c.989-3C>T (NM_001407245.1).
Identifiers: ClinVar variation 3069724 (VCV003069724.1), dbSNP rs751918070, ClinGen allele CA035713.